The following is an entry in ClinVar:

NM_001128840.3(CACNA1D):c.5786G>C (p.Arg1929Pro)

Gene: CACNA1D (calcium voltage-gated channel subunit alpha1 D; plus strand). Cytogenetic location: 3p21.1.
Variant type: single nucleotide variant.
Coding change: c.5786G>C on transcript NM_001128840.3 (MANE Select); coding-DNA position 5786, G replaced by C.
Protein change: p.Arg1929Pro; replaces arginine 1929 with proline.
Molecular consequence: missense variant.
Genome position (GRCh38, 1-based): chr3:53,808,685, G>C. VCF-style: chr3-53808685-G-C. GRCh37 (hg19) VCF-style: chr3-53842712-G-C.
Other names: c.5846G>C, p.Arg1949Pro (NM_000720.4); c.5714G>C, p.Arg1905Pro (NM_001128839.3); short protein forms R1905P, R1929P, R1949P.
Identifiers: ClinVar variation 1387954 (VCV001387954.6), dbSNP rs371126105, ClinGen allele CA353255960.

ClinVar aggregate classification (germline): Uncertain significance (1 of 4 stars; one submission).

Submission:

Labcorp Genetics (formerly Invitae), Labcorp
Classification: Uncertain significance. Last evaluated: 2025-01-06. Review status: criteria provided, single submitter. Criteria: Invitae Variant Classification Sherloc (09022015). Collection method: clinical testing. Allele origin: germline.
Comment: This sequence change replaces arginine, which is basic and polar, with proline, which is neutral and non-polar, at codon 1949 of the CACNA1D protein (p.Arg1949Pro). This variant is not present in population databases (gnomAD no frequency). This variant has not been reported in the literature in individuals affected with CACNA1D-related conditions. ClinVar contains an entry for this variant (Variation ID: 1387954). An algorithm developed to predict the effect of missense changes on protein structure and function (PolyPhen-2) suggests that this variant is likely to be disruptive. In summary, the available evidence is currently insufficient to determine the role of this variant in disease. Therefore, it has been classified as a Variant of Uncertain Significance.